The following is an entry in ClinVar:

NM_002439.5(MSH3):c.254G>A (p.Arg85Lys)

Gene: MSH3 (mutS homolog 3; plus strand). Cytogenetic location: 5q14.1.
Variant type: single nucleotide variant.
Coding change: c.254G>A on transcript NM_002439.5 (MANE Select); coding-DNA position 254, G replaced by A.
Protein change: p.Arg85Lys; replaces arginine 85 with lysine.
Molecular consequence: missense variant.
Genome position (GRCh38, 1-based): chr5:80,656,427, G>A. VCF-style: chr5-80656427-G-A. GRCh37 (hg19) VCF-style: chr5-79952246-G-A.
Other names: short protein forms R85K.
Identifiers: ClinVar variation 1911436 (VCV001911436.5), dbSNP rs1749286662, ClinGen allele CA360266144.

ClinVar aggregate classification (germline): Uncertain significance (1 of 4 stars; one submission).

Submission:

Labcorp Genetics (formerly Invitae), Labcorp
Classification: Uncertain significance. Last evaluated: 2023-05-12. Review status: criteria provided, single submitter. Criteria: Invitae Variant Classification Sherloc (09022015). Collection method: clinical testing. Allele origin: germline.
Comment: This variant is not present in population databases (gnomAD no frequency). This sequence change replaces arginine, which is basic and polar, with lysine, which is basic and polar, at codon 85 of the MSH3 protein (p.Arg85Lys). This variant has not been reported in the literature in individuals affected with MSH3-related conditions. In summary, the available evidence is currently insufficient to determine the role of this variant in disease. Therefore, it has been classified as a Variant of Uncertain Significance. Algorithms developed to predict the effect of missense changes on protein structure and function output the following: SIFT: "Not Available"; PolyPhen-2: "Benign"; Align-GVGD: "Not Available". The lysine amino acid residue is found in multiple mammalian species, which suggests that this missense change does not adversely affect protein function. ClinVar contains an entry for this variant (Variation ID: 1911436).